The following is an entry in ClinVar:

NM_006514.4(SCN10A):c.5732C>G (p.Thr1911Ser)

Gene: SCN10A (sodium voltage-gated channel alpha subunit 10; minus strand). Cytogenetic location: 3p22.2.
Variant type: single nucleotide variant.
Coding change: c.5732C>G on transcript NM_006514.4 (MANE Select); coding-DNA position 5732, C replaced by G.
Protein change: p.Thr1911Ser; replaces threonine 1911 with serine.
Molecular consequence: missense variant.
Genome position (GRCh38, 1-based): chr3:38,697,488, G>C on the plus strand (C>G on the coding strand, the complement: SCN10A is on the minus strand). VCF-style: chr3-38697488-G-C. GRCh37 (hg19) VCF-style: chr3-38738979-G-C.
Other names: c.5729C>G, p.Thr1910Ser (NM_001293306.2); c.5438C>G, p.Thr1813Ser (NM_001293307.2); short protein forms T1910S, T1911S, T1813S.
Identifiers: ClinVar variation 1749336 (VCV001749336.2), dbSNP rs2063102378, ClinGen allele CA352152464.

ClinVar aggregate classification (germline): Uncertain significance (1 of 4 stars; one submission).

Conditions:
Cardiovascular phenotype. Identifiers: MedGen CN230736.

Submission:

Ambry Genetics
Classification: Uncertain significance for Cardiovascular phenotype. Last evaluated: 2020-03-02. Review status: criteria provided, single submitter. Criteria: Ambry Variant Classification Scheme 2023. Collection method: clinical testing. Allele origin: germline.
Comment: The p.T1911S variant (also known as c.5732C>G), located in coding exon 27 of the SCN10A gene, results from a C to G substitution at nucleotide position 5732. The threonine at codon 1911 is replaced by serine, an amino acid with similar properties. This amino acid position is well conserved in available vertebrate species; however, serine is the reference amino acid in other vertebrate species. In addition, this alteration is predicted to be tolerated by in silico analysis. Since supporting evidence is limited at this time, the clinical significance of this alteration remains unclear.